The following is an entry in ClinVar:

NM_001378454.1(ALMS1):c.1639C>G (p.Leu547Val)

Gene: ALMS1 (ALMS1 centrosome and basal body associated protein; plus strand). Cytogenetic location: 2p13.1.
Variant type: single nucleotide variant.
Coding change: c.1639C>G on transcript NM_001378454.1 (MANE Select); coding-DNA position 1639, C replaced by G.
Protein change: p.Leu547Val; replaces leucine 547 with valine.
Molecular consequence: missense variant.
Genome position (GRCh38, 1-based): chr2:73,448,166, C>G. VCF-style: chr2-73448166-C-G. GRCh37 (hg19) VCF-style: chr2-73675293-C-G.
Other names: c.1642C>G, p.Leu548Val (NM_015120.4); short protein forms L548V, L547V.
Identifiers: ClinVar variation 649047 (VCV000649047.10), dbSNP rs1451493287, ClinGen allele CA347264989.

ClinVar aggregate classification (germline): Conflicting classifications of pathogenicity. Review status: criteria provided, conflicting classifications (1 of 4 stars). 5 submissions from 5 submitters: Uncertain significance (3); Likely benign (1). 1 of the submissions does not count toward it. Last evaluated 2025-11-23.

Conditions:
Cardiovascular phenotype. Identifiers: MedGen CN230736.
Alstrom syndrome (ALMS). Identifiers: Orphanet 64, MedGen C0268425, MONDO:0008763, OMIM 203800.

Allele frequency attached by ClinVar (database versions not stated): gnomAD exomes below 0.00001 and 0.00001.
gnomAD v4.1: 7 of 1,614,048 alleles (0.00043%); highest among the groups gnomAD compares: Non-Finnish European, 0.00051%; no homozygotes.

Submissions (5):

Labcorp Genetics (formerly Invitae), Labcorp
Classification: Uncertain significance for Alstrom syndrome. Last evaluated: 2025-11-23. Review status: criteria provided, single submitter. Criteria: Invitae Variant Classification Sherloc (09022015). Collection method: clinical testing. Allele origin: germline.
Comment: This sequence change replaces leucine, which is neutral and non-polar, with valine, which is neutral and non-polar, at codon 548 of the ALMS1 protein (p.Leu548Val). This variant is present in population databases (no rsID available, gnomAD 0.003%). This variant has not been reported in the literature in individuals affected with ALMS1-related conditions. ClinVar contains an entry for this variant (Variation ID: 649047). An algorithm developed to predict the effect of missense changes on protein structure and function outputs the following: PolyPhen-2: "Not Available". The valine amino acid residue is found in multiple mammalian species, which suggests that this missense change does not adversely affect protein function. In summary, the available evidence is currently insufficient to determine the role of this variant in disease. Therefore, it has been classified as a Variant of Uncertain Significance.

GeneDx
Classification: Uncertain significance. Last evaluated: 2025-06-26. Review status: criteria provided, single submitter. Criteria: GeneDx Variant Classification Process June 2021. Collection method: clinical testing. Allele origin: germline. Affected: yes.
Comment: Not observed at significant frequency in large population cohorts (gnomAD); In silico analysis suggests that this missense variant does not alter protein structure/function; Has not been previously published as pathogenic or benign to our knowledge

Ambry Genetics
Classification: Likely benign for Cardiovascular phenotype. Last evaluated: 2024-12-13. Review status: criteria provided, single submitter. Criteria: Ambry Variant Classification Scheme 2023. Collection method: clinical testing. Allele origin: germline.

Fulgent Genetics
Classification: Uncertain significance for Alstrom syndrome. Last evaluated: 2021-12-16. Review status: criteria provided, single submitter. Criteria: ACMG Guidelines, 2015. Collection method: clinical testing. Allele origin: unknown.

Natera, Inc.
Classification: Uncertain significance for Alstrom syndrome. Last evaluated: 2020-09-24. Review status: no assertion criteria provided. Collection method: clinical testing. Allele origin: germline. Not counted in ClinVar's aggregate classification.